The following is an entry in ClinVar:

NM_006031.6(PCNT):c.7175_7176dup (p.Lys2393Ter)

Gene: PCNT (pericentrin; plus strand). Cytogenetic location: 21q22.3.
Variant type: Duplication.
Coding change: c.7175_7176dup on transcript NM_006031.6 (MANE Select); coding-DNA positions 7175 to 7176, 2 bases duplicated (TG; older notation c.7175_7176dupTG).
Protein change: p.Lys2393Ter; replaces lysine 2393 with a stop codon.
Molecular consequence: nonsense.
Genome position (GRCh38, 1-based): chr21:46,422,120-46,422,121, TG duplicated; duplicating any 2 consecutive bases within chr21:46,422,119-46,422,121 gives the same sequence; the c. name uses the placement nearest the transcript's 3' end. VCF-style (leftmost placement, unchanged base first): chr21-46422118-C-CGT. GRCh37 (hg19) VCF-style: chr21-47842032-C-CGT.
Other names: c.6821_6822dup, p.Lys2275Ter (NM_001315529.2); short protein forms K2393*, K2275*.
Identifiers: ClinVar variation 2889509 (VCV002889509.3), dbSNP rs2518889073, ClinGen allele CA2739267771.
Genomic context (GRCh38, chr21:46,422,118, plus strand): 5'-CTCTGGAAGGTTTCAGCCGCTGCCGGAAGCCATGAAGGAGAAGGAAGTGCGTCCGAAGCA[C>CGT]GTGAAGGTATGGCTGGCAGGGGCGGCCCTCACAGCTTCACATGTGCAGCCTCGGGGCATC-3'

ClinVar aggregate classification (germline): Pathogenic (1 of 4 stars; one submission).

Submission:

Labcorp Genetics (formerly Invitae), Labcorp
Classification: Pathogenic. Last evaluated: 2023-02-03. Review status: criteria provided, single submitter. Criteria: Invitae Variant Classification Sherloc (09022015). Collection method: clinical testing. Allele origin: germline.
Comment: For these reasons, this variant has been classified as Pathogenic. This variant has not been reported in the literature in individuals affected with PCNT-related conditions. This variant is not present in population databases (gnomAD no frequency). This sequence change creates a premature translational stop signal (p.Lys2393*) in the PCNT gene. It is expected to result in an absent or disrupted protein product. Loss-of-function variants in PCNT are known to be pathogenic (PMID: 18174396, 22821869).

Literature cited by the submitters: PubMed 18174396; PubMed 22821869.